The following is an entry in ClinVar:

ClinVar aggregate classification (germline): Uncertain significance (1 of 4 stars; one submission).

Conditions:
Hereditary factor VIII deficiency disease (HEMA). Also called: AUTOSOMAL HEMOPHILIA A; Hemophilia A; HEMOPHILIA, CLASSIC; Hemophilia A, congenital; HEM A; Factor 8 deficiency, congenital. Identifiers: Orphanet 98878, MedGen C0019069, MONDO:0010602, OMIM 306700.

Allele frequency attached by ClinVar (database versions not stated): TOPMed 0.00001.

Submission:

ARUP Laboratories, Molecular Genetics and Genomics, ARUP Laboratories
Classification: Uncertain significance for Hereditary factor VIII deficiency disease. Last evaluated: 2018-09-02. Review status: criteria provided, single submitter. Criteria: ARUP Molecular Germline Variant Investigation Process. Collection method: clinical testing. Allele origin: germline.
Comment: The F8 c.1439T>C; p.Leu480Pro variant, also known as p.Leu461Pro, is reported in the literature in a single individual affected with moderate Hemophilia A (Xue 2010). This variant is absent from general population databases (Exome Variant Server, Genome Aggregation Database), indicating it is not a common polymorphism. The leucine at codon 480 is highly conserved, computational analyses (SIFT, PolyPhen-2) predict that this variant is deleterious, and structural modeling suggests that a proline at this position would sterically clash with another residue in a manner that could affect protein structure (Xue 2010). However, given the lack of clinical and functional data, the significance of the p.Leu480Pro variant is uncertain at this time. References: Xue F et al. Factor VIII gene mutations profile in 148 Chinese hemophilia A subjects. Eur J Haematol. 2010 Sep;85(3):264-72.

NM_000132.4(F8):c.1439T>C (p.Leu480Pro)

Gene: F8 (coagulation factor VIII; minus strand). Cytogenetic location: Xq28.
Variant type: single nucleotide variant.
Coding change: c.1439T>C on transcript NM_000132.4 (MANE Select); coding-DNA position 1439, T replaced by C.
Protein change: p.Leu480Pro; replaces leucine 480 with proline.
Molecular consequence: missense variant.
Genome position (GRCh38, 1-based): chrX:154,965,974, A>G on the plus strand (T>C on the coding strand, the complement: F8 is on the minus strand). VCF-style: chrX-154965974-A-G. GRCh37 (hg19) VCF-style: chrX-154194249-A-G.
Other names: short protein forms L480P.
Identifiers: ClinVar variation 811122 (VCV000811122.8), dbSNP rs1256548419, ClinGen allele CA414914273.